The following is an entry in ClinVar:

NM_017775.4(TTC19):c.520-2A>G

Gene: TTC19 (tetratricopeptide repeat domain 19; plus strand). Cytogenetic location: 17p12.
Variant type: single nucleotide variant.
Coding change: c.520-2A>G on transcript NM_017775.4 (MANE Select); the canonical splice acceptor site of the intron before coding-DNA position 520, A replaced by G.
Molecular consequence: splice acceptor variant.
Genome position (GRCh38, 1-based): chr17:16,004,199, A>G. VCF-style: chr17-16004199-A-G. GRCh37 (hg19) VCF-style: chr17-15907513-A-G.
Other names: c.199-2A>G (NM_001271420.2).
Identifiers: ClinVar variation 2023762 (VCV002023762.4), dbSNP rs2549928946, ClinGen allele CA398387247.

ClinVar aggregate classification (germline): Likely pathogenic (1 of 4 stars; one submission).

Submission:

Labcorp Genetics (formerly Invitae), Labcorp
Classification: Likely pathogenic. Last evaluated: 2022-09-01. Review status: criteria provided, single submitter. Criteria: Invitae Variant Classification Sherloc (09022015). Collection method: clinical testing. Allele origin: germline.
Comment: In summary, the currently available evidence indicates that the variant is pathogenic, but additional data are needed to prove that conclusively. Therefore, this variant has been classified as Likely Pathogenic. Algorithms developed to predict the effect of sequence changes on RNA splicing suggest that this variant may disrupt the consensus splice site. This variant has not been reported in the literature in individuals affected with TTC19-related conditions. This variant is not present in population databases (gnomAD no frequency). This sequence change affects an acceptor splice site in intron 5 of the TTC19 gene. It is expected to disrupt RNA splicing. Variants that disrupt the donor or acceptor splice site typically lead to a loss of protein function (PMID: 16199547), and loss-of-function variants in TTC19 are known to be pathogenic (PMID: 21278747, 24368687).

Literature cited by the submitters: PubMed 16199547; PubMed 21278747; PubMed 24368687.